The following is an entry in ClinVar:

NM_001184.4(ATR):c.4504G>A (p.Val1502Ile)

Gene: ATR (ATR checkpoint kinase; minus strand). Cytogenetic location: 3q23.
Variant type: single nucleotide variant.
Coding change: c.4504G>A on transcript NM_001184.4 (MANE Select); coding-DNA position 4504, G replaced by A.
Protein change: p.Val1502Ile; replaces valine 1502 with isoleucine.
Molecular consequence: missense variant.
Genome position (GRCh38, 1-based): chr3:142,513,638, C>T on the plus strand (G>A on the coding strand, the complement: ATR is on the minus strand). VCF-style: chr3-142513638-C-T. GRCh37 (hg19) VCF-style: chr3-142232480-C-T.
Other names: c.4504G>A (NM_001184.3); c.4312G>A, p.Val1438Ile (NM_001354579.2); short protein forms V1438I, V1502I.
Identifiers: ClinVar variation 2165537 (VCV002165537.5), dbSNP rs2473224042, ClinGen allele CA354797213.
Genomic context (GRCh38, chr3:142,513,638, plus strand): 5'-AATCATGCTTCATCATAATGCTACAGCAGGTGAAAATTTTACTGGCAAGATCATGTCGAA[C>T]CTGTAAATGCAAAATGTGTAGACAGTAACACACTTTCACATATTGATTAAATGTCAAAGA-3'
Protein context (NP_001175.2, residues 1492-1512): ASWAGYLITK[Val1502Ile]RHDLASKIFT

ClinVar aggregate classification (germline): Uncertain significance. Review status: criteria provided, multiple submitters, no conflicts (2 of 4 stars). 2 submissions from 2 submitters: Uncertain significance (2). Last evaluated 2023-12-24.

Conditions:
Inborn genetic diseases. Identifiers: MedGen C0950123, MeSH D030342.

Allele frequency attached by ClinVar (database versions not stated): gnomAD exomes below 0.00001.
gnomAD v4.1: 1 of 1,613,304 alleles (0.000062%); highest among the groups gnomAD compares: Non-Finnish European, 0.000085%; no homozygotes.

Submissions (2):

Ambry Genetics
Classification: Uncertain significance for Inborn genetic diseases. Last evaluated: 2023-12-24. Review status: criteria provided, single submitter. Criteria: Ambry Variant Classification Scheme 2023. Collection method: clinical testing. Allele origin: germline.
Comment: The p.V1502I variant (also known as c.4504G>A) is located in coding exon 26 of the ATR gene. The valine at codon 1502 is replaced by isoleucine, an amino acid with highly similar properties. This change occurs in the first base pair of coding exon 26. This amino acid position is conserved. In addition, this alteration is predicted to be tolerated by in silico analysis. Since supporting evidence is limited at this time, the clinical significance of this alteration remains unclear.

Labcorp Genetics (formerly Invitae), Labcorp
Classification: Uncertain significance. Last evaluated: 2022-11-22. Review status: criteria provided, single submitter. Criteria: Invitae Variant Classification Sherloc (09022015). Collection method: clinical testing. Allele origin: germline.
Comment: Algorithms developed to predict the effect of missense changes on protein structure and function (SIFT, PolyPhen-2, Align-GVGD) all suggest that this variant is likely to be tolerated. In summary, the available evidence is currently insufficient to determine the role of this variant in disease. Therefore, it has been classified as a Variant of Uncertain Significance. This variant has not been reported in the literature in individuals affected with ATR-related conditions. This variant is not present in population databases (gnomAD no frequency). This sequence change replaces valine, which is neutral and non-polar, with isoleucine, which is neutral and non-polar, at codon 1502 of the ATR protein (p.Val1502Ile).